The following is an entry in ClinVar:

NM_032578.4(MYPN):c.2581G>A (p.Ala861Thr)

Gene: MYPN (myopalladin; plus strand). Cytogenetic location: 10q21.3.
Variant type: single nucleotide variant.
Coding change: c.2581G>A on transcript NM_032578.4 (MANE Select); coding-DNA position 2581, G replaced by A.
Protein change: p.Ala861Thr; replaces alanine 861 with threonine.
Molecular consequence: missense variant. On other transcripts: non-coding transcript variant (1).
Genome position (GRCh38, 1-based): chr10:68,175,339, G>A. VCF-style: chr10-68175339-G-A. GRCh37 (hg19) VCF-style: chr10-69935096-G-A.
Other names: c.2581G>A, p.Ala861Thr (NM_001256267.2); c.1699G>A, p.Ala567Thr (NM_001256268.2); short protein forms A567T, A861T.
Identifiers: ClinVar variation 1793382 (VCV001793382.2), dbSNP rs1260824390, ClinGen allele CA376848649.

ClinVar aggregate classification (germline): Uncertain significance (1 of 4 stars; one submission).

Conditions:
Cardiovascular phenotype. Identifiers: MedGen CN230736.

Allele frequency attached by ClinVar (database versions not stated): gnomAD exomes 0.00001.
gnomAD v4.1: 9 of 1,613,998 alleles (0.00056%); highest among the groups gnomAD compares: East Asian, 0.0022%; no homozygotes.

Submission:

Ambry Genetics
Classification: Uncertain significance for Cardiovascular phenotype. Last evaluated: 2020-04-02. Review status: criteria provided, single submitter. Criteria: Ambry Variant Classification Scheme 2023. Collection method: clinical testing. Allele origin: germline.
Comment: The p.A861T variant (also known as c.2581G>A), located in coding exon 11 of the MYPN gene, results from a G to A substitution at nucleotide position 2581. The alanine at codon 861 is replaced by threonine, an amino acid with similar properties. This amino acid position is poorly conserved in available vertebrate species. In addition, this alteration is predicted to be tolerated by in silico analysis. Since supporting evidence is limited at this time, the clinical significance of this alteration remains unclear.